The following is an entry in ClinVar:

ClinVar aggregate classification (germline): Pathogenic. Review status: criteria provided, multiple submitters, no conflicts (2 of 4 stars). 17 submissions from 17 submitters: Pathogenic (14). 3 of the submissions do not count toward it. Last evaluated 2025-11-25.

Conditions:
MMACHC-related disorder. Also called: MMACHC-related condition.
Disorders of Intracellular Cobalamin Metabolism. Identifiers: MedGen CN043592.
Cobalamin C disease. Also called: Cobalamin-C methylmalonic acidemia and homocystinuria; Methylmalonic acidemia and homocystinuria cblC type; Methylmalonic aciduria with homocystinuria cblC type; methylmalonic aciduria and homocystinuria type cblC; Methylmalonic aciduria and homocystinuria, Vitamin B12-responsive; Vitamin B12 metabolic defect with combined deficiency of methylmalonyl-CoA mutase and homocysteine:methyltetrahydrofolate methyltransferase. Identifiers: Orphanet 26, Orphanet 79282, MedGen C1848561, MONDO:0010184, OMIM 277400.

Allele frequency attached by ClinVar (database versions not stated): gnomAD exomes 0.00004 and 0.00005; ExAC 0.00007; TOPMed 0.00009; gnomAD 0.00011.
gnomAD v4.1: 86 of 1,614,030 alleles (0.0053%); highest among the groups gnomAD compares: African/African-American, 0.013%; no homozygotes.

Submissions (17):

PreventionGenetics, part of Exact Sciences
Classification: Pathogenic for MMACHC-related condition. Last evaluated: 2025-11-25. Review status: criteria provided, single submitter. Criteria: ACMG Guidelines, 2015. Collection method: clinical testing. Allele origin: germline.
Comment: The MMACHC c.331C>T variant is predicted to result in premature protein termination (p.Arg111*). This variant has been commonly reported in the literature as causative for methylmalonic aciduria and homocystinuria, cblC type (Lerner-Ellis et al. 2009, PubMed ID: 19370762; Ricci et al. 2020. PubMed ID: 31503356). This variant is reported in 0.012% of alleles in individuals of African descent in gnomAD. It has been interpreted as pathogenic by multiple independent submitters to ClinVar (Variation ID: 1424). Nonsense variants in MMACHC are expected to be pathogenic. This variant is interpreted as pathogenic.

Natera, Inc.
Classification: Pathogenic for Methylmalonic aciduria and homocystinuria cblC type. Last evaluated: 2025-11-21. Review status: criteria provided, single submitter. Criteria: Natera Variant Classification Schema (03/2026). Collection method: clinical testing. Allele origin: germline.
Comment: The c.331C>T variant in MMACHC is a nonsense variant predicted to introduce a stop codon at amino acid 111. This variant is expected to result in nonsense mediated decay, truncation, or a dysfunctional protein product. This variant is rare in the general population with a frequency below the threshold expected for the associated phenotype(s). This variant has been observed in one or more individuals affected with the associated recessive disease, as either homozygous or compound heterozygous with a second variant (PMID: 16311595). Given the available evidence, this variant is classified as Pathogenic.

Labcorp Genetics (formerly Invitae), Labcorp
Classification: Pathogenic for Cobalamin C disease. Last evaluated: 2025-10-27. Review status: criteria provided, single submitter. Criteria: Invitae Variant Classification Sherloc (09022015). Collection method: clinical testing. Allele origin: germline.
Comment: This sequence change creates a premature translational stop signal (p.Arg111*) in the MMACHC gene. It is expected to result in an absent or disrupted protein product. Loss-of-function variants in MMACHC are known to be pathogenic (PMID: 16311595). This variant is present in population databases (rs121918242, gnomAD 0.01%). This premature translational stop signal has been observed in individuals with methylmalonic aciduria and homocystinuria, cblC type (PMID: 16311595, 16714133, 18164228, 24126030). ClinVar contains an entry for this variant (Variation ID: 1424). For these reasons, this variant has been classified as Pathogenic.

Dasa
Classification: Pathogenic. Last evaluated: 2025-08-25. Review status: criteria provided, single submitter. Criteria: DASA Assertion Criteria. Collection method: clinical testing. Allele origin: germline.
Comment: NM_015506.3(MMACHC):c.331C>T (p.Arg111*) introduces a premature termination codon predicted to result in loss of normal protein function. Loss-of-function is an established mechanism of disease for this gene. This variant has been observed in affected individuals with related phenotype in a genotype context consistent with recessive disease (PMID: 16311595). This variant has been reported in individuals with related phenotype (PMID: 16311595). The variant is present at low frequency in population datasets. Based on the available data, this variant is classified as pathogenic.

Blueprint Genetics
Classification: Pathogenic for MMACHC-related disorders. Last evaluated: 2024-08-15. Review status: criteria provided, single submitter. Criteria: ACMG Guidelines, 2015. Collection method: clinical testing. Allele origin: germline. Affected: yes. Observed: 5 variant alleles.

Fulgent Genetics
Classification: Pathogenic for Cobalamin C disease. Last evaluated: 2024-01-24. Review status: criteria provided, single submitter. Criteria: ACMG Guidelines, 2015. Collection method: clinical testing. Allele origin: germline.

Genome-Nilou Lab
Classification: Pathogenic for Cobalamin C disease. Last evaluated: 2023-04-11. Review status: criteria provided, single submitter. Criteria: ACMG Guidelines, 2015. Collection method: clinical testing. Allele origin: germline. Affected: no.

Revvity Omics, Revvity
Classification: Pathogenic for Cobalamin C disease. Last evaluated: 2022-09-15. Review status: criteria provided, single submitter. Criteria: ACMG Guidelines, 2015. Collection method: clinical testing. Allele origin: germline.

GeneDx
Classification: Pathogenic. Last evaluated: 2022-03-10. Review status: criteria provided, single submitter. Criteria: GeneDx Variant Classification Process June 2021. Collection method: clinical testing. Allele origin: germline. Affected: yes.
Comment: Nonsense variant predicted to result in protein truncation or nonsense mediated decay in a gene for which loss-of-function is a known mechanism of disease; Not observed at significant frequency in large population cohorts (gnomAD); This variant is associated with the following publications: (PMID: 25525159, 28327205, 30609409, 16311595, 24126030, 28481040, 31503356, 30157807, 31998365, 34215320, 34426522, 32943488, 33473346, 32778825)

Elsea Laboratory, Baylor College of Medicine
Classification: Pathogenic for Cobalamin C disease. Last evaluated: 2020-04-01. Review status: criteria provided, single submitter. Criteria: ACMG Guidelines, 2015. Collection method: clinical testing. Allele origin: paternal. Affected: no.

Genomic Research Center, Shahid Beheshti University of Medical Sciences
Classification: Pathogenic for Methylmalonic acidemia with homocystinuria. Last evaluated: 2018-08-07. Review status: criteria provided, single submitter. Criteria: ACMG Guidelines, 2015. Collection method: clinical testing. Allele origin: inherited. Affected: yes. Observed: 1 variant allele.

Women's Health and Genetics/Laboratory Corporation of America, LabCorp
Classification: Pathogenic for Cobalamin C disease. Last evaluated: 2016-10-06. Review status: criteria provided, single submitter. Criteria: LabCorp Variant Classification Summary - May 2015. Collection method: clinical testing. Allele origin: germline.
Comment: Variant summary: The MMACHC c.331C>T (p.Arg111X) variant results in a premature termination codon, predicted to cause a truncated or absent MMACHC protein due to nonsense mediated decay, which are commonly known mechanisms for disease. One in vitro study showed mRNA leves in cell lines that are homozygotes for c.331C>T showed ~60% decrease compared to wild-type cell lines (Lerner-Ellis_2009), suggesting this nonsense variant leads to nonsense mediated mRNA decay. One in silico tool predicts a damaging outcome for this variant. This variant was found in 9/120818 control chromosomes at a frequency of 0.0000745, which does not exceed the estimated maximal expected allele frequency of a pathogenic MMACHC variant (0.0030542). This variant has been shown to be one of the most common pathogenic variant in CBLC patients and tend to lead to early onset type of disease. In addition, multiple clinical diagnostic laboratories/reputable databases classified this variant as pathogenic. Taken together, this variant has been classified as pathogenic.

Laboratory for Molecular Medicine, Mass General Brigham Personalized Medicine
Classification: Pathogenic for Methylmalonic acidemia with homocystinuria. Last evaluated: 2016-03-28. Review status: criteria provided, single submitter. Criteria: LMM Criteria. Collection method: clinical testing. Allele origin: germline. Inheritance: Autosomal recessive inheritance. Observed: 1 variant allele.
Comment: The p.Arg111X variant in MMACHC has been reported in at least 29 individuals (9 homozygotes and 20 compound heterozygotes) with methymalonic aciduria and homocy stinuria, cbIC type (Lerner-Ellis 2006). It has been associated with early onset disease (Lerner-Ellis 2006). This variant has been identified in 9/120714 chrom osomes by the Exome Aggregation Consortium (ExAC ; dbSNP rs121918242). Although this variant has been seen in the general populat ion, its frequency is low enough to be consistent with a recessive carrier frequ ency. This nonsense variant leads to a premature termination codon at position 1 11, which is predicted to lead to a truncated or absent protein. Loss of functio n of the MMACHC gene is an established disease mechanism for methymalonic acidur ia. In summary, this variant meets our criteria to be classified as pathogenic f or methymalonic aciduria and homocystinuria, cbIC type based upon its co-occurre nce with disease-causing variants in affected individuals, low frequency in cont rol populations, and predicted functional impact.

UNC Molecular Genetics  Laboratory, University of North Carolina at Chapel Hill
Classification: Pathogenic for Methylmalonic acidemia with homocystinuria. Review status: criteria provided, single submitter. Criteria: ACMG Guidelines, 2015. Collection method: research. Allele origin: germline. Affected: no. Observed: 1 variant allele. Study: NSIGHT-NC NEXUS.
Comment: The MMACHC c.331C>T (p.R111*) variant was previously reported in the homozygous or compound heterozygous state in individuals with combined methylmalonic aciduria (also known as methylmalonic acidemia) with homocystinuria (PMID: 16714133; 18164228).

carrier finding

Counsyl
Classification: Pathogenic for Cobalamin C disease. Last evaluated: 2016-11-02. Review status: no assertion criteria provided. Collection method: clinical testing. Allele origin: unknown. Not counted in ClinVar's aggregate classification.

OMIM
Classification: Pathogenic for METHYLMALONIC ACIDURIA AND HOMOCYSTINURIA, cblC TYPE. Last evaluated: 2009-07-01. Review status: no assertion criteria provided. Collection method: literature only. Allele origin: germline. Not counted in ClinVar's aggregate classification.

GeneReviews
No classification provided. Condition: Disorders of Intracellular Cobalamin Metabolism. Review status: no classification provided. Collection method: literature only. Allele origin: germline. Not counted in ClinVar's aggregate classification.
Comment: Common in people of Cajun and French Canadian ancestry.

Literature cited by the submitters: PubMed 16311595 (cited by 4 submitters); PubMed 16714133 (cited by 3 submitters); PubMed 18164228 (cited by 3 submitters); PubMed 24126030 (cited by Labcorp Genetics (formerly Invitae), Labcorp); PubMed 19370762 (cited by 4 submitters).

NM_015506.3(MMACHC):c.331C>T (p.Arg111Ter)

Gene: MMACHC (metabolism of cobalamin associated C; plus strand). Cytogenetic location: 1p34.1.
Variant type: single nucleotide variant.
Coding change: c.331C>T on transcript NM_015506.3 (MANE Select); coding-DNA position 331, C replaced by T.
Protein change: p.Arg111Ter; replaces arginine 111 with a stop codon.
Molecular consequence: nonsense.
Genome position (GRCh38, 1-based): chr1:45,508,266, C>T. VCF-style: chr1-45508266-C-T. GRCh37 (hg19) VCF-style: chr1-45973938-C-T.
Other names: p.R111*:CGA>TGA; c.160C>T, p.Arg54Ter (NM_001330540.2); short protein forms R111*, R54*.
Identifiers: ClinVar variation 1424 (VCV000001424.34), dbSNP rs121918242, ClinGen allele CA251789.